The following is an entry in ClinVar:

NM_000363.5(TNNI3):c.373-1G>C

Gene: TNNI3 (troponin I3, cardiac type; minus strand). Cytogenetic location: 19q13.42.
Variant type: single nucleotide variant.
Coding change: c.373-1G>C on transcript NM_000363.5 (MANE Select); the canonical splice acceptor site of the intron before coding-DNA position 373, G replaced by C.
Molecular consequence: splice acceptor variant.
Genome position (GRCh38, 1-based): chr19:55,154,207, C>G on the plus strand (G>C on the coding strand, the complement: TNNI3 is on the minus strand). VCF-style: chr19-55154207-C-G. GRCh37 (hg19) VCF-style: chr19-55665575-C-G.
Identifiers: ClinVar variation 2008537 (VCV002008537.4), dbSNP rs750870502, ClinGen allele CA407440823.

ClinVar aggregate classification (germline): Likely pathogenic (1 of 4 stars; one submission).

Conditions:
Hypertrophic cardiomyopathy. Also called: HYPERTROPHIC MYOCARDIOPATHY. Identifiers: Orphanet 217569, MedGen C0007194, MeSH D002312, MONDO:0005045, HP:0001639.

Allele frequency attached by ClinVar (database versions not stated): gnomAD exomes below 0.00001.

Submission:

Labcorp Genetics (formerly Invitae), Labcorp
Classification: Likely pathogenic for Hypertrophic cardiomyopathy. Last evaluated: 2024-04-17. Review status: criteria provided, single submitter. Criteria: Invitae Variant Classification Sherloc (09022015). Collection method: clinical testing. Allele origin: germline.
Comment: This sequence change affects an acceptor splice site in intron 6 of the TNNI3 gene. It is expected to disrupt RNA splicing. Variants that disrupt the donor or acceptor splice site typically lead to a loss of protein function (PMID: 16199547), and loss-of-function variants in TNNI3 are known to be pathogenic (PMID: 31568572, 34036930, 35838873). This variant is not present in population databases (gnomAD no frequency). This variant has not been reported in the literature in individuals affected with TNNI3-related conditions. ClinVar contains an entry for this variant (Variation ID: 2008537). Algorithms developed to predict the effect of sequence changes on RNA splicing suggest that this variant may disrupt the consensus splice site. In summary, the currently available evidence indicates that the variant is pathogenic, but additional data are needed to prove that conclusively. Therefore, this variant has been classified as Likely Pathogenic.

Literature cited by the submitters: PubMed 16199547; PubMed 31568572; PubMed 34036930; PubMed 35838873.